The following is an entry in ClinVar:

NM_001164508.2(NEB):c.18724A>T (p.Lys6242Ter)

Gene: NEB (nebulin; minus strand). Cytogenetic location: 2q23.3.
Variant type: single nucleotide variant.
Coding change: c.18724A>T on transcript NM_001164508.2 (MANE Select); coding-DNA position 18724, A replaced by T.
Protein change: p.Lys6242Ter; replaces lysine 6242 with a stop codon.
Molecular consequence: nonsense.
Genome position (GRCh38, 1-based): chr2:151,562,778, T>A on the plus strand (A>T on the coding strand, the complement: NEB is on the minus strand). VCF-style: chr2-151562778-T-A. GRCh37 (hg19) VCF-style: chr2-152419292-T-A.
Other names: c.18724A>T, p.Lys6242Ter (NM_001164507.2, NM_001271208.2); c.13621A>T, p.Lys4541Ter (NM_004543.5); short protein forms K4541*, K6242*.
Identifiers: ClinVar variation 1724036 (VCV001724036.2), dbSNP rs886054937, ClinGen allele CA348798365.

ClinVar aggregate classification (germline): Likely pathogenic (1 of 4 stars; one submission).

Conditions:
Nemaline myopathy 2 (NEM2). Also called: Nemaline myopathy 2, autosomal recessive. Identifiers: MedGen C1850569, MONDO:0009725, OMIM 256030.

Submission:

Myriad Genetics, Inc.
Classification: Likely pathogenic for Nemaline myopathy 2. Last evaluated: 2022-01-24. Review status: criteria provided, single submitter. Criteria: Myriad Women's Health Autosomal Recessive and X-Linked Classification Criteria (2021). Collection method: clinical testing. Allele origin: unknown.
Comment: NM_001271208.1(NEB):c.18724A>T(K6242*) is expected to be pathogenic in the context of NEB-related nemaline myopathy. This variant is predicted to lead to an abnormal or absent protein product due to the creation of a premature termination codon in NEB, a gene where loss-of-function variants are known to be pathogenic. Please note: this variant was assessed in the context of healthy population screening.